The following is an entry in ClinVar:

NM_138694.4(PKHD1):c.977-1G>A

Gene: PKHD1 (PKHD1 ciliary IPT domain containing fibrocystin/polyductin; minus strand). Cytogenetic location: 6p12.2.
Variant type: single nucleotide variant.
Coding change: c.977-1G>A on transcript NM_138694.4 (MANE Select); the canonical splice acceptor site of the intron before coding-DNA position 977, G replaced by A.
Molecular consequence: splice acceptor variant.
Genome position (GRCh38, 1-based): chr6:52,062,661, C>T on the plus strand (G>A on the coding strand, the complement: PKHD1 is on the minus strand). VCF-style: chr6-52062661-C-T. GRCh37 (hg19) VCF-style: chr6-51927459-C-T.
Other names: c.977-1G>A (NM_170724.3, NM_138694.3).
Identifiers: ClinVar variation 1066339 (VCV001066339.10), dbSNP rs1808864196, ClinGen allele CA364428990.

ClinVar aggregate classification (germline): Pathogenic/Likely pathogenic. Review status: criteria provided, multiple submitters, no conflicts (2 of 4 stars). 2 submissions from 2 submitters: Pathogenic (1); Likely pathogenic (1). Last evaluated 2026-01-29.

Conditions:
Autosomal recessive polycystic kidney disease (ARPKD). Also called: AR polycystic kidney disease. Identifiers: Orphanet 731, Orphanet 8378, MedGen C0085548, MeSH D017044, MONDO:0009889.

Allele frequency attached by ClinVar (database versions not stated): gnomAD 0.00001.
gnomAD v4.1: 1 of 1,613,982 alleles (0.000062%); highest among the groups gnomAD compares: Non-Finnish European, 0.000085%; no homozygotes.

Submissions (2):

Natera, Inc.
Classification: Pathogenic for Autosomal recessive polycystic kidney disease. Last evaluated: 2026-01-29. Review status: criteria provided, single submitter. Criteria: Natera Variant Classification Schema (03/2026). Collection method: clinical testing. Allele origin: germline.
Comment: The c.977-1G>A variant in PKHD1 is a canonical splice acceptor site variant predicted to affect pre-mRNA splicing, which may result in an abnormal transcript and altered protein product. This variant is expected to result in nonsense mediated decay, truncation, or a dysfunctional protein product. This variant is rare in the general population with a frequency below the threshold expected for the associated phenotype(s). This variant has been observed in one or more individuals affected with the associated recessive disease, as either homozygous or compound heterozygous with a second variant (PMID: 12506140). Additionally, this variant has been observed to segregate in affected family members (PMID: 12506140). Given the available evidence, this variant is classified as Pathogenic.

Labcorp Genetics (formerly Invitae), Labcorp
Classification: Likely pathogenic for Autosomal recessive polycystic kidney disease. Last evaluated: 2020-06-13. Review status: criteria provided, single submitter. Criteria: Invitae Variant Classification Sherloc (09022015). Collection method: clinical testing. Allele origin: germline.
Comment: This variant is not present in population databases (ExAC no frequency). This sequence change affects an acceptor splice site in intron 13 of the PKHD1 gene. It is expected to disrupt RNA splicing and likely results in an absent or disrupted protein product. This variant has been observed in individual(s) with polycystic kidney disease (PMID: 12506140). This variant is also known as IVS13-1G>A in the literature. Algorithms developed to predict the effect of sequence changes on RNA splicing suggest that this variant may disrupt the consensus splice site, but this prediction has not been confirmed by published transcriptional studies. Donor and acceptor splice site variants typically lead to a loss of protein function (PMID: 16199547), and loss-of-function variants in PKHD1 are known to be pathogenic (PMID: 19940839). In summary, the currently available evidence indicates that the variant is pathogenic, but additional data are needed to prove that conclusively. Therefore, this variant has been classified as Likely Pathogenic.

Literature cited by the submitters: PubMed 12506140 (cited by Natera, Inc. and Labcorp Genetics (formerly Invitae), Labcorp); PubMed 16199547 (cited by Labcorp Genetics (formerly Invitae), Labcorp); PubMed 19940839 (cited by Labcorp Genetics (formerly Invitae), Labcorp).